The following is an entry in ClinVar:

NM_000384.3(APOB):c.6974T>C (p.Ile2325Thr)

Gene: APOB (apolipoprotein B; minus strand). Cytogenetic location: 2p24.1.
Variant type: single nucleotide variant.
Coding change: c.6974T>C on transcript NM_000384.3 (MANE Select); coding-DNA position 6974, T replaced by C.
Protein change: p.Ile2325Thr; replaces isoleucine 2325 with threonine.
Molecular consequence: missense variant.
Genome position (GRCh38, 1-based): chr2:21,009,894, A>G on the plus strand (T>C on the coding strand, the complement: APOB is on the minus strand). VCF-style: chr2-21009894-A-G. GRCh37 (hg19) VCF-style: chr2-21232766-A-G.
Other names: short protein forms I2325T.
Identifiers: ClinVar variation 645184 (VCV000645184.15), dbSNP rs1315050421, ClinGen allele CA346000037.

ClinVar aggregate classification (germline): Conflicting classifications of pathogenicity. Review status: criteria provided, conflicting classifications (1 of 4 stars). 2 submissions from 2 submitters: Uncertain significance (1); Likely benign (1). Last evaluated 2024-12-19.

Conditions:
Cardiovascular phenotype. Identifiers: MedGen CN230736.
Hypercholesterolemia, autosomal dominant, type B (FHCL2). Also called: APOB-Related Familial Hypercholesterolemia, Autosomal Dominant; Hyperlipoproteinemia Type IIb; Familial Hypercholesterolemia Type B; APOLIPOPROTEIN B-100, FAMILIAL DEFECTIVE; APOLIPOPROTEIN B-100, FAMILIAL LIGAND-DEFECTIVE; Familial hypercholesterolemia 2. Identifiers: MedGen C1704417, MONDO:0007751, OMIM 144010.
Familial hypobetalipoproteinemia 1. Also called: APOB-Related Familial Hypobetalipoproteinemia; Hypobetalipoproteinemia, normotriglyceridemic; Acanthocytosis with hypobetalipoproteinemia. Identifiers: MedGen C4551990, MONDO:0014252, OMIM 615558.

Allele frequency attached by ClinVar (database versions not stated): gnomAD 0.00001; gnomAD exomes 0.00001; TOPMed 0.00002.
gnomAD v4.1: 18 of 1,613,894 alleles (0.0011%); highest among the groups gnomAD compares: Admixed American, 0.0067%; no homozygotes.

Submissions (2):

Labcorp Genetics (formerly Invitae), Labcorp
Classification: Likely benign for Familial hypobetalipoproteinemia 1; Hypercholesterolemia, autosomal dominant, type B. Last evaluated: 2024-12-19. Review status: criteria provided, single submitter. Criteria: Invitae Variant Classification Sherloc (09022015). Collection method: clinical testing. Allele origin: germline.

Ambry Genetics
Classification: Uncertain significance for Cardiovascular phenotype. Last evaluated: 2019-08-11. Review status: criteria provided, single submitter. Criteria: Ambry Variant Classification Scheme 2023. Collection method: clinical testing. Allele origin: germline.
Comment: The p.I2325T variant (also known as c.6974T>C), located in coding exon 26 of the APOB gene, results from a T to C substitution at nucleotide position 6974. The isoleucine at codon 2325 is replaced by threonine, an amino acid with similar properties. This amino acid position is not well conserved in available vertebrate species, and threonine is the reference amino acid in other vertebrate species. In addition, this alteration is predicted to be tolerated by in silico analysis. Since supporting evidence is limited at this time, the clinical significance of this alteration remains unclear.